The following is an entry in ClinVar:

ClinVar aggregate classification (germline): Pathogenic (1 of 4 stars; one submission).

Submission:

Labcorp Genetics (formerly Invitae), Labcorp
Classification: Pathogenic. Last evaluated: 2023-03-22. Review status: criteria provided, single submitter. Criteria: Invitae Variant Classification Sherloc (09022015). Collection method: clinical testing. Allele origin: germline.
Comment: This sequence change creates a premature translational stop signal (p.Glu428*) in the DLL3 gene. It is expected to result in an absent or disrupted protein product. Loss-of-function variants in DLL3 are known to be pathogenic (PMID: 12746394). This variant is not present in population databases (gnomAD no frequency). This variant has not been reported in the literature in individuals affected with DLL3-related conditions. For these reasons, this variant has been classified as Pathogenic.

Literature cited by the submitters: PubMed 12746394.

NM_203486.3(DLL3):c.1282G>T (p.Glu428Ter)

Genes: DLL3 (delta like canonical Notch ligand 3; plus strand), LOC130064418 (ATAC-STARR-seq lymphoblastoid silent region 10609; plus strand). Cytogenetic location: 19q13.2.
Variant type: single nucleotide variant.
Coding change: c.1282G>T on transcript NM_203486.3 (MANE Select); coding-DNA position 1282, G replaced by T.
Protein change: p.Glu428Ter; replaces glutamic acid 428 with a stop codon.
Molecular consequence: nonsense.
Genome position (GRCh38, 1-based): chr19:39,507,227, G>T. VCF-style: chr19-39507227-G-T. GRCh37 (hg19) VCF-style: chr19-39997867-G-T.
Other names: c.1282G>T, p.Glu428Ter (NM_016941.4); short protein forms E428*.
Identifiers: ClinVar variation 2848381 (VCV002848381.3), dbSNP rs2079646844, ClinGen allele CA405800781.